The following is an entry in ClinVar:

NM_015295.3(SMCHD1):c.187-7T>C

Gene: SMCHD1 (structural maintenance of chromosomes flexible hinge domain containing 1; plus strand). Cytogenetic location: 18p11.32.
Variant type: single nucleotide variant.
Coding change: c.187-7T>C on transcript NM_015295.3 (MANE Select); 7 bases into the intron before coding-DNA position 187, T replaced by C.
Molecular consequence: intron variant.
Genome position (GRCh38, 1-based): chr18:2,666,150, T>C. VCF-style: chr18-2666150-T-C. GRCh37 (hg19) VCF-style: chr18-2666149-T-C.
Other names: c.187-7T>C (NM_015295.2).
Identifiers: ClinVar variation 2725526 (VCV002725526.4), dbSNP rs754591193, ClinGen allele CA8870494.

ClinVar aggregate classification (germline): Likely benign. Review status: criteria provided, multiple submitters, no conflicts (2 of 4 stars). 2 submissions from 2 submitters: Likely benign (2). Last evaluated 2026-09-03.

Conditions:
Facioscapulohumeral muscular dystrophy 2 (FSHD2). Also called: MUSCULAR DYSTROPHY, FACIOSCAPULOHUMERAL, TYPE 1B; FACIOSCAPULOHUMERAL MUSCULAR DYSTROPHY 2, DIGENIC; FSHD2, DIGENIC. Identifiers: Orphanet 269, MedGen C1834671, MONDO:0008031, OMIM 158901.
SMCHD1-related disorder. Also called: SMCHD1-related condition.

Allele frequency attached by ClinVar (database versions not stated): ExAC 0.00002; gnomAD 0.00003; TOPMed 0.00003.

Submissions (2):

PreventionGenetics, part of Exact Sciences
Classification: Likely benign for SMCHD1-related condition. Last evaluated: 2026-09-03. Review status: criteria provided, single submitter. Criteria: ACMG Guidelines, 2015. Collection method: clinical testing. Allele origin: germline.
Comment: This variant is classified as likely benign based on ACMG/AMP sequence variant interpretation guidelines (Richards et al. 2015 PMID: 25741868, with internal and published modifications).

Labcorp Genetics (formerly Invitae), Labcorp
Classification: Likely benign for Facioscapulohumeral muscular dystrophy 2. Last evaluated: 2025-09-19. Review status: criteria provided, single submitter. Criteria: Invitae Variant Classification Sherloc (09022015). Collection method: clinical testing. Allele origin: germline.